The following is an entry in ClinVar:

NM_004211.5(SLC6A5):c.2070+1G>A

Gene: SLC6A5 (solute carrier family 6 member 5; plus strand). Cytogenetic location: 11p15.1.
Variant type: single nucleotide variant.
Coding change: c.2070+1G>A on transcript NM_004211.5 (MANE Select); the canonical splice donor site of the intron after coding-DNA position 2070, G replaced by A.
Molecular consequence: splice donor variant.
Genome position (GRCh38, 1-based): chr11:20,646,935, G>A. VCF-style: chr11-20646935-G-A. GRCh37 (hg19) VCF-style: chr11-20668481-G-A.
Other names: c.1368+1G>A (NM_001318369.2).
Identifiers: ClinVar variation 632158 (VCV000632158.13), dbSNP rs770660705, ClinGen allele CA5921669.

ClinVar aggregate classification (germline): Pathogenic/Likely pathogenic. Review status: criteria provided, multiple submitters, no conflicts (2 of 4 stars). 2 submissions from 2 submitters: Pathogenic (1); Likely pathogenic (1). Last evaluated 2024-11-16.

Conditions:
Hyperekplexia 3 (HKPX3). Also called: HYPEREKPLEXIA 3, AUTOSOMAL RECESSIVE; HYPEREKPLEXIA 3, AUTOSOMAL DOMINANT. Identifiers: Orphanet 3197, MedGen C3553288, MONDO:0013827, OMIM 614618.

Allele frequency attached by ClinVar (database versions not stated): gnomAD 0.00001; TOPMed 0.00002.
gnomAD v4.1: 42 of 1,602,652 alleles (0.0026%); highest among the groups gnomAD compares: East Asian, 0.0067%; no homozygotes.

Submissions (2):

Labcorp Genetics (formerly Invitae), Labcorp
Classification: Pathogenic for Hyperekplexia 3. Last evaluated: 2024-11-16. Review status: criteria provided, single submitter. Criteria: Invitae Variant Classification Sherloc (09022015). Collection method: clinical testing. Allele origin: germline.
Comment: This sequence change affects a donor splice site in intron 14 of the SLC6A5 gene. It is expected to disrupt RNA splicing. Variants that disrupt the donor or acceptor splice site typically lead to a loss of protein function (PMID: 16199547), and loss-of-function variants in SLC6A5 are known to be pathogenic (PMID: 14622583, 16751771, 22700964). This variant is present in population databases (rs770660705, gnomAD 0.004%). Disruption of this splice site has been observed in individuals with hyperekplexia (PMID: 22700964; internal data). ClinVar contains an entry for this variant (Variation ID: 632158). Algorithms developed to predict the effect of sequence changes on RNA splicing suggest that this variant may disrupt the consensus splice site. For these reasons, this variant has been classified as Pathogenic.

Laboratorio de Genetica e Diagnostico Molecular, Hospital Israelita Albert Einstein
Classification: Likely pathogenic for Hyperekplexia 3. Last evaluated: 2022-09-17. Review status: criteria provided, single submitter. Criteria: ACMG Guidelines, 2015. Collection method: clinical testing. Allele origin: germline. Affected: yes. Observed: 1 variant allele.
Comment: ACMG classification criteria: PVS1 strong, PM2 moderated

Literature cited by the submitters: PubMed 16199547 (cited by Labcorp Genetics (formerly Invitae), Labcorp); PubMed 14622583 (cited by Labcorp Genetics (formerly Invitae), Labcorp); PubMed 16751771 (cited by Labcorp Genetics (formerly Invitae), Labcorp); PubMed 22700964 (cited by Labcorp Genetics (formerly Invitae), Labcorp).